The following is an entry in ClinVar:

NM_006567.5(FARS2):c.886C>T (p.Gln296Ter)

Gene: FARS2 (phenylalanyl-tRNA synthetase 2, mitochondrial; plus strand). Cytogenetic location: 6p25.1.
Variant type: single nucleotide variant.
Coding change: c.886C>T on transcript NM_006567.5 (MANE Select); coding-DNA position 886, C replaced by T.
Protein change: p.Gln296Ter; replaces glutamine 296 with a stop codon.
Molecular consequence: nonsense. On other transcripts: intron variant (1).
Genome position (GRCh38, 1-based): chr6:5,431,154, C>T. VCF-style: chr6-5431154-C-T. GRCh37 (hg19) VCF-style: chr6-5431387-C-T.
Other names: c.886C>T, p.Gln296Ter (NM_001318872.2, NM_001374875.1, NM_001374876.1 and 4 more transcripts); c.190C>T, p.Gln64Ter (NM_001375259.1, NM_001375260.1); c.772+26453C>T (NM_001375258.1); short protein forms Q296*, Q64*.
Identifiers: ClinVar variation 966064 (VCV000966064.7), dbSNP rs1414534588, ClinGen allele CA362736292.

ClinVar aggregate classification (germline): Pathogenic (1 of 4 stars; one submission).

Conditions:
Combined oxidative phosphorylation defect type 14. Also called: Combined oxidative phosphorylation deficiency 14. Identifiers: Orphanet 319519, MedGen C4755312, MONDO:0013986, OMIM 614946.

Submission:

Labcorp Genetics (formerly Invitae), Labcorp
Classification: Pathogenic for Combined oxidative phosphorylation defect type 14. Last evaluated: 2019-11-12. Review status: criteria provided, single submitter. Criteria: Invitae Variant Classification Sherloc (09022015). Collection method: clinical testing. Allele origin: germline.
Comment: This sequence change creates a premature translational stop signal (p.Gln296*) in the FARS2 gene. It is expected to result in an absent or disrupted protein product. For these reasons, this variant has been classified as Pathogenic. Loss-of-function variants in FARS2 are known to be pathogenic (PMID: 22833457). This variant has not been reported in the literature in individuals with FARS2-related conditions. This variant is not present in population databases (ExAC no frequency).

Literature cited by the submitters: PubMed 22833457.